The following is an entry in ClinVar:

NM_000016.6(ACADM):c.15C>A (p.Phe5Leu)

Gene: ACADM (acyl-CoA dehydrogenase medium chain; plus strand). Cytogenetic location: 1p31.1.
Variant type: single nucleotide variant.
Coding change: c.15C>A on transcript NM_000016.6 (MANE Select); coding-DNA position 15, C replaced by A.
Protein change: p.Phe5Leu; replaces phenylalanine 5 with leucine.
Molecular consequence: missense variant. On other transcripts: 5 prime UTR variant (2).
Genome position (GRCh38, 1-based): chr1:75,724,802, C>A. VCF-style: chr1-75724802-C-A. GRCh37 (hg19) VCF-style: chr1-76190487-C-A.
Other names: c.15C>A, p.Phe5Leu (NM_001127328.3, NM_001286043.2); c.-6C>A (NM_001286042.2); c.-283C>A (NM_001286044.2); short protein forms F5L.
Identifiers: ClinVar variation 617949 (VCV000617949.9), dbSNP rs1024056446, ClinGen allele CA24616982.

ClinVar aggregate classification (germline): Uncertain significance. Review status: criteria provided, single submitter (1 of 4 stars). 2 submissions from 2 submitters: Uncertain significance (1). 1 of the submissions does not count toward it. Last evaluated 2017-07-18.

Conditions:
Medium-chain acyl-coenzyme A dehydrogenase deficiency (ACADMD). Also called: MCADD; ACADM DEFICIENCY; Medium chain acyl-CoA dehydrogenase deficiency; MCAD Deficiency; MCADH DEFICIENCY; CARNITINE DEFICIENCY SECONDARY TO MEDIUM-CHAIN ACYL-CoA DEHYDROGENASE DEFICIENCY. Identifiers: Orphanet 42, MedGen C0220710, MONDO:0008721, OMIM 201450.

Allele frequency attached by ClinVar (database versions not stated): TOPMed 0.00001.

Submissions (2):

ARUP Laboratories, Molecular Genetics and Genomics, ARUP Laboratories
Classification: Uncertain significance. Last evaluated: 2017-07-18. Review status: criteria provided, single submitter. Criteria: ARUP Molecular Germline Variant Investigation Process. Collection method: clinical testing. Allele origin: germline.
Comment: The ACADM c.15C>A; p.Phe5Leu variant, to our knowledge, has not been reported in the literature or gene-specific variant databases, nor reported in the general population databases (Exome Variant Server, Genome Aggregation Database). The phenylalanine at codon 5 is weakly conserved, and computational algorithms (SIFT, MutationTaster, Align GVGD) predict this variant to be tolerated. However, due to the lack of information regarding p.Phe5Leu, its clinical significance is uncertain at this time.

Natera, Inc.
Classification: Uncertain significance for Medium Chain Acyl-CoA Dehydrogenase Deficiency. Last evaluated: 2020-10-06. Review status: no assertion criteria provided. Collection method: clinical testing. Allele origin: germline. Not counted in ClinVar's aggregate classification.